The following is an entry in ClinVar:

NM_183075.3(CYP2U1):c.1106C>T (p.Ser369Leu)

Gene: CYP2U1 (cytochrome P450 family 2 subfamily U member 1; plus strand). Cytogenetic location: 4q25.
Variant type: single nucleotide variant.
Coding change: c.1106C>T on transcript NM_183075.3 (MANE Select); coding-DNA position 1106, C replaced by T.
Protein change: p.Ser369Leu; replaces serine 369 with leucine.
Molecular consequence: missense variant.
Genome position (GRCh38, 1-based): chr4:107,945,585, C>T. VCF-style: chr4-107945585-C-T. GRCh37 (hg19) VCF-style: chr4-108866741-C-T.
Other names: short protein forms S369L.
Identifiers: ClinVar variation 656579 (VCV000656579.6), dbSNP rs141112404, ClinGen allele CA3037110.

ClinVar aggregate classification (germline): Uncertain significance (1 of 4 stars; one submission).

Conditions:
Spastic paraplegia. Identifiers: MedGen C0037772, HP:0001258.

Allele frequency attached by ClinVar (database versions not stated): gnomAD exomes 0.00001 and 0.00002; gnomAD 0.00002; ExAC 0.00003; TOPMed 0.00003; 1000 Genomes Project 30x 0.00016; 1000 Genomes Project 0.00020.

Submission:

Labcorp Genetics (formerly Invitae), Labcorp
Classification: Uncertain significance for Spastic paraplegia. Last evaluated: 2024-12-05. Review status: criteria provided, single submitter. Criteria: Invitae Variant Classification Sherloc (09022015). Collection method: clinical testing. Allele origin: germline.
Comment: This sequence change replaces serine, which is neutral and polar, with leucine, which is neutral and non-polar, at codon 369 of the CYP2U1 protein (p.Ser369Leu). This variant is present in population databases (rs141112404, gnomAD 0.01%). This variant has not been reported in the literature in individuals affected with CYP2U1-related conditions. ClinVar contains an entry for this variant (Variation ID: 656579). Invitae Evidence Modeling of protein sequence and biophysical properties (such as structural, functional, and spatial information, amino acid conservation, physicochemical variation, residue mobility, and thermodynamic stability) indicates that this missense variant is not expected to disrupt CYP2U1 protein function with a negative predictive value of 95%. In summary, the available evidence is currently insufficient to determine the role of this variant in disease. Therefore, it has been classified as a Variant of Uncertain Significance.